The following is an entry in ClinVar:

ClinVar aggregate classification (germline): Uncertain significance. Review status: criteria provided, multiple submitters, no conflicts (2 of 4 stars). 2 submissions from 2 submitters: Uncertain significance (2). Last evaluated 2022-07-12.

Allele frequency attached by ClinVar (database versions not stated): TOPMed below 0.00001; ExAC 0.00001; gnomAD 0.00001; gnomAD exomes 0.00001 and 0.00002.
gnomAD v4.1: 8 of 1,613,874 alleles (0.0005%); highest among the groups gnomAD compares: Admixed American, 0.005%; no homozygotes.

Submissions (2):

Labcorp Genetics (formerly Invitae), Labcorp
Classification: Uncertain significance. Last evaluated: 2022-07-12. Review status: criteria provided, single submitter. Criteria: Invitae Variant Classification Sherloc (09022015). Collection method: clinical testing. Allele origin: germline.
Comment: This sequence change replaces glutamic acid, which is acidic and polar, with lysine, which is basic and polar, at codon 1601 of the SBF1 protein (p.Glu1601Lys). This variant is present in population databases (rs770245860, gnomAD 0.009%). This variant has not been reported in the literature in individuals affected with SBF1-related conditions. Algorithms developed to predict the effect of missense changes on protein structure and function are either unavailable or do not agree on the potential impact of this missense change (SIFT: "Deleterious"; PolyPhen-2: "Benign"; Align-GVGD: "Class C0"). In summary, the available evidence is currently insufficient to determine the role of this variant in disease. Therefore, it has been classified as a Variant of Uncertain Significance.

Mayo Clinic Laboratories, Mayo Clinic
Classification: Uncertain significance. Last evaluated: 2021-04-19. Review status: criteria provided, single submitter. Criteria: ACMG Guidelines, 2015. Collection method: clinical testing. Allele origin: germline.

NM_002972.4(SBF1):c.4801G>A (p.Glu1601Lys)

Gene: SBF1 (SET binding factor 1; minus strand). Cytogenetic location: 22q13.33.
Variant type: single nucleotide variant.
Coding change: c.4801G>A on transcript NM_002972.4 (MANE Select); coding-DNA position 4801, G replaced by A.
Protein change: p.Glu1601Lys; replaces glutamic acid 1601 with lysine.
Molecular consequence: missense variant.
Genome position (GRCh38, 1-based): chr22:50,454,825, C>T on the plus strand (G>A on the coding strand, the complement: SBF1 is on the minus strand). VCF-style: chr22-50454825-C-T. GRCh37 (hg19) VCF-style: chr22-50893254-C-T.
Other names: p.Glu1601Lys; c.4726G>A, p.Glu1576Lys (NM_001365819.1); short protein forms E1576K, E1601K.
Identifiers: ClinVar variation 1693779 (VCV001693779.6), dbSNP rs770245860, ClinGen allele CA10316129.
Genomic context (GRCh38, chr22:50,454,825, plus strand): 5'-GGACCTGGGTCGGGCAGGAGCCGCCTACCCGACCCAGGCCCCAGCTTACCTCTGCGTCCT[C>T]GGGCGCATACATGTAATTGTGGAACACAGGCGTCCTCTTGCTCAGCCGGTCCACATACTC-3'
Protein context (NP_002963.2, residues 1591-1611): PVFHNYMYAP[Glu1601Lys]DAEVLRPYSN